The following is an entry in ClinVar:

ClinVar aggregate classification (germline): Pathogenic (1 of 4 stars; one submission).

Submission:

Labcorp Genetics (formerly Invitae), Labcorp
Classification: Pathogenic. Last evaluated: 2023-12-09. Review status: criteria provided, single submitter. Criteria: Invitae Variant Classification Sherloc (09022015). Collection method: clinical testing. Allele origin: germline.
Comment: This variant is a gross deletion of the genomic region encompassing exon(s) 8-9 of the C7 gene. This deletion is out-of-frame, and is expected to create a premature termination codon and result in an absent or disrupted protein product. Loss-of-function variants in C7 are known to be pathogenic (PMID: 9856499, 17407100). A similar copy number variant has been observed in individual(s) with C7 deficiency (PMID: 9218625, 9844043, 22206826). This variant is also known as deletion of exon 7-8. For these reasons, this variant has been classified as Pathogenic.

Literature cited by the submitters: PubMed 9856499; PubMed 17407100; PubMed 9218625; PubMed 9844043; PubMed 22206826.

NC_000005.9:g.(?_40947684)_(40950136_?)del

Gene: C7 (complement C7; plus strand). Cytogenetic location: 5p13.1.
Variant type: Deletion.
Identifiers: ClinVar variation 1455140 (VCV001455140.5).